The following is an entry in ClinVar:

ClinVar aggregate classification (germline): Likely benign. Review status: criteria provided, single submitter (1 of 4 stars). 2 submissions from 2 submitters: Likely benign (1). 1 of the submissions does not count toward it. Last evaluated 2025-11-09.

Conditions:
Heterotaxy, visceral, 5, autosomal (HTX5). Also called: Heterotaxy, visceral, 5. Identifiers: Orphanet 450, MedGen C3495537, MONDO:0700112, OMIM 270100.
NODAL-related disorder. Also called: NODAL-related disorders; NODAL-related condition. Identifiers: MedGen CN239298.

Allele frequency attached by ClinVar (database versions not stated): gnomAD exomes 0.00006 and 0.00016; ExAC 0.00017; 1000 Genomes Project 0.00040; 1000 Genomes Project 30x 0.00047; ESP Exome Variant Server 0.00069; TOPMed 0.00074; gnomAD 0.00082 and 0.00085.
gnomAD v4.1: 221 of 1,614,070 alleles (0.014%); highest among the groups gnomAD compares: African/African-American, 0.26%; 1 homozygote.

Submissions (2):

Labcorp Genetics (formerly Invitae), Labcorp
Classification: Likely benign for Heterotaxy, visceral, 5, autosomal. Last evaluated: 2025-11-09. Review status: criteria provided, single submitter. Criteria: Invitae Variant Classification Sherloc (09022015). Collection method: clinical testing. Allele origin: germline.

PreventionGenetics, part of Exact Sciences
Classification: Likely benign for NODAL-related condition. Last evaluated: 2021-05-07. Review status: no assertion criteria provided. Collection method: clinical testing. Allele origin: germline. Not counted in ClinVar's aggregate classification.
Comment: This variant is classified as likely benign based on ACMG/AMP sequence variant interpretation guidelines (Richards et al. 2015 PMID: 25741868, with internal and published modifications).

NM_018055.5(NODAL):c.916C>T (p.His306Tyr)

Gene: NODAL (nodal growth differentiation factor; minus strand). Cytogenetic location: 10q22.1.
Variant type: single nucleotide variant.
Coding change: c.916C>T on transcript NM_018055.5 (MANE Select); coding-DNA position 916, C replaced by T.
Protein change: p.His306Tyr; replaces histidine 306 with tyrosine.
Molecular consequence: missense variant.
Genome position (GRCh38, 1-based): chr10:70,433,064, G>A on the plus strand (C>T on the coding strand, the complement: NODAL is on the minus strand). VCF-style: chr10-70433064-G-A. GRCh37 (hg19) VCF-style: chr10-72192820-G-A.
Other names: c.517C>T, p.His173Tyr (NM_001329906.2); short protein forms H306Y, H173Y.
Identifiers: ClinVar variation 697001 (VCV000697001.13), dbSNP rs148708629, ClinGen allele CA5537498.